The following is an entry in ClinVar:

NM_018341.3(ERMARD):c.605+1G>A

Gene: ERMARD (ER membrane associated RNA degradation; plus strand). Cytogenetic location: 6q27.
Variant type: single nucleotide variant.
Coding change: c.605+1G>A on transcript NM_018341.3 (MANE Select); the canonical splice donor site of the intron after coding-DNA position 605, G replaced by A.
Molecular consequence: splice donor variant.
Genome position (GRCh38, 1-based): chr6:169,759,066, G>A. VCF-style: chr6-169759066-G-A. GRCh37 (hg19) VCF-style: chr6-170159162-G-A.
Other names: c.605+1G>A (NM_001278531.2, NM_001278533.2); c.227+1G>A (NM_001278532.2, NM_001410957.1).
Identifiers: ClinVar variation 1696356 (VCV001696356.1), dbSNP rs2128344292, ClinGen allele CA366498327.

ClinVar aggregate classification (germline): Likely pathogenic (1 of 4 stars; one submission).

Conditions:
Periventricular nodular heterotopia 6 (PVNH6). Identifiers: Orphanet 2149, MedGen C3809872, MONDO:0014240, OMIM 615544.

Submission:

Women's Health and Genetics/Laboratory Corporation of America, LabCorp
Classification: Likely pathogenic for Periventricular nodular heterotopia 6. Last evaluated: 2022-05-10. Review status: criteria provided, single submitter. Criteria: LabCorp Variant Classification Summary - May 2015. Collection method: clinical testing. Allele origin: germline.
Comment: Variant summary: ERMARD c.605+1G>A is located in a canonical splice-site and is predicted to affect mRNA splicing resulting in a significantly altered protein due to either exon skipping, shortening, or inclusion of intronic material. Several computational tools predict a significant impact on normal splicing: Four predict the variant abolishes a 5 prime splicing donor site. However, these predictions have yet to be confirmed by functional studies. The variant was absent in 250116 control chromosomes. To our knowledge, no occurrence of c.605+1G>A in individuals affected with Periventricular Nodular Heterotopia 6 and no experimental evidence demonstrating its impact on protein function have been reported. No clinical diagnostic laboratories have submitted clinical-significance assessments for this variant to ClinVar after 2014. Based on the evidence outlined above, the variant was classified as likely pathogenic.